The following is an entry in ClinVar:

NM_001369.3(DNAH5):c.3518delinsCTG (p.Ile1173fs)

Genes: DNAH5 (dynein axonemal heavy chain 5; minus strand), DNAH5-AS1 (DNAH5 antisense RNA 1; plus strand). Cytogenetic location: 5p15.2.
Variant type: Indel.
Coding change: c.3518delinsCTG on transcript NM_001369.3 (MANE Select); coding-DNA position 3518, T replaced by CTG.
Protein change: p.Ile1173fs; shifts the reading frame from isoleucine 1173.
Molecular consequence: frameshift variant.
Genome position (GRCh38, 1-based): chr5:13,871,644, A replaced by CAG on the plus strand (T replaced by CTG on the coding strand, the reverse complement: DNAH5 is on the minus strand). VCF-style: chr5-13871644-A-CAG. GRCh37 (hg19) VCF-style: chr5-13871753-A-CAG.
Other names: short protein forms I1173fs.
Identifiers: ClinVar variation 5010753 (VCV005010753.1).
Genomic context (GRCh38, chr5:13,871,644, plus strand): 5'-CCCACACAGACATATTCAGGCTCAGCATTAATTTCCTGCTCTAGGTTTTGGAAATAGAGA[A>CAG]TCTGGGACTCAAATTCAGAAAGCAAGGGGCTCTGTGTAATAAATGTCTTAATGGCTTCTT-3'

ClinVar aggregate classification (germline): Pathogenic (1 of 4 stars; one submission).

Conditions:
Primary ciliary dyskinesia 3. Identifiers: Orphanet 244, MedGen C1837618, MONDO:0012085, OMIM 608644.

Submission:

Myriad Genetics, Inc.
Classification: Pathogenic for Primary ciliary dyskinesia 3. Last evaluated: 2024-05-14. Review status: criteria provided, single submitter. Criteria: Myriad Autosomal Dominant, Autosomal Recessive and X-Linked Classification Criteria (2023). Collection method: clinical testing. Allele origin: unknown.
Comment: NM_001369.2(DNAH5):c.3518delTinsCTG(I1173Tfs*8) is expected to be pathogenic in the context of primary ciliary dyskinesia, DNAH5-related. This variant is predicted to lead to an abnormal or absent protein product due to the creation of a premature termination codon in DNAH5, a gene where loss-of-function variants are known to be pathogenic. Please note: this variant was assessed in the context of healthy population screening.